The following is an entry in ClinVar:

ClinVar aggregate classification (germline): Uncertain significance (1 of 4 stars; one submission).

Conditions:
Inborn genetic diseases. Identifiers: MedGen C0950123, MeSH D030342.

Submission:

Ambry Genetics
Classification: Uncertain significance for Inborn genetic diseases. Last evaluated: 2022-10-22. Review status: criteria provided, single submitter. Criteria: Ambry Variant Classification Scheme 2023. Collection method: clinical testing. Allele origin: germline.
Comment: The p.V500L variant (also known as c.1498G>T), located in coding exon 8 of the PIK3CA gene, results from a G to T substitution at nucleotide position 1498. The valine at codon 500 is replaced by leucine, an amino acid with highly similar properties. This amino acid position is conserved. In addition, this alteration is predicted to be tolerated by in silico analysis. Since supporting evidence is limited at this time, the clinical significance of this alteration remains unclear.

NM_006218.4(PIK3CA):c.1498G>T (p.Val500Leu)

Gene: PIK3CA (phosphatidylinositol-4,5-bisphosphate 3-kinase catalytic subunit alpha; plus strand). Cytogenetic location: 3q26.32.
Variant type: single nucleotide variant.
Coding change: c.1498G>T on transcript NM_006218.4 (MANE Select); coding-DNA position 1498, G replaced by T.
Protein change: p.Val500Leu; replaces valine 500 with leucine.
Molecular consequence: missense variant.
Genome position (GRCh38, 1-based): chr3:179,210,524, G>T. VCF-style: chr3-179210524-G-T. GRCh37 (hg19) VCF-style: chr3-178928312-G-T.
Other names: short protein forms V500L.
Identifiers: ClinVar variation 1773928 (VCV001773928.2), dbSNP rs1724682869, ClinGen allele CA355262707.
Genomic context (GRCh38, chr3:179,210,524, plus strand): 5'-TTCAGCAGTGTGGTAAAGTTCCCAGATATGTCAGTGATTGAAGAGCATGCCAATTGGTCT[G>T]TATCCCGAGAAGCAGGATTTAGCTATTCCCACGCAGGACTGGTAAGGCAAATCACTGAGT-3'
Protein context (NP_006209.2, residues 490-510): SVIEEHANWS[Val500Leu]SREAGFSYSH